The following is an entry in ClinVar:

NM_000268.4(NF2):c.313G>T (p.Ala105Ser)

Gene: NF2 (NF2, moesin-ezrin-radixin like (MERLIN) tumor suppressor; plus strand). Cytogenetic location: 22q12.2.
Variant type: single nucleotide variant.
Coding change: c.313G>T on transcript NM_000268.4 (MANE Select); coding-DNA position 313, G replaced by T.
Protein change: p.Ala105Ser; replaces alanine 105 with serine.
Molecular consequence: missense variant. On other transcripts: 5 prime UTR variant (1), intron variant (8).
Genome position (GRCh38, 1-based): chr22:29,639,162, G>T. VCF-style: chr22-29639162-G-T. GRCh37 (hg19) VCF-style: chr22-30035151-G-T.
Other names: c.199G>T, p.Ala67Ser (NM_001407053.1, NM_001407056.1); c.187G>T, p.Ala63Ser (NM_001407055.1, NM_181828.3); c.313G>T, p.Ala105Ser (NM_001407057.1, NM_001407059.1, NM_001407060.1 and 5 more transcripts); c.-328G>T (NM_001407065.1); c.82G>T, p.Ala28Ser (NM_001407067.1); c.240+2286G>T (NM_001407058.1, NM_181829.3, NM_001407054.1 and 1 more transcripts); c.115-3040G>T (NM_001407063.1, NM_181830.3, NM_001407064.1 and 1 more transcripts); short protein forms A28S, A67S, A105S, A63S.
Identifiers: ClinVar variation 3405003 (VCV003405003.1).

ClinVar aggregate classification (germline): Uncertain significance (1 of 4 stars; one submission).

Conditions:
Hereditary cancer-predisposing syndrome. Also called: Neoplastic Syndromes, Hereditary; Tumor predisposition; Hereditary Cancer Syndrome; Hereditary neoplastic syndrome. Identifiers: Orphanet 140162, MedGen C0027672, MeSH D009386, MONDO:0015356.

Submission:

Ambry Genetics
Classification: Uncertain significance for Hereditary cancer-predisposing syndrome. Last evaluated: 2024-10-08. Review status: criteria provided, single submitter. Criteria: Ambry Variant Classification Scheme 2023. Collection method: clinical testing. Allele origin: germline.
Comment: The p.A105S variant (also known as c.313G>T), located in coding exon 3 of the NF2 gene, results from a G to T substitution at nucleotide position 313. The alanine at codon 105 is replaced by serine, an amino acid with similar properties. This amino acid position is conserved. In addition, the in silico prediction for this alteration is inconclusive. Based on the available evidence, the clinical significance of this variant remains unclear.